The following is an entry in ClinVar:

NM_001290321.3(DMXL1):c.7906G>C (p.Glu2636Gln)

Gene: DMXL1 (Dmx like 1; plus strand). Cytogenetic location: 5q23.1.
Variant type: single nucleotide variant.
Coding change: c.7906G>C on transcript NM_001290321.3 (MANE Select); coding-DNA position 7906, G replaced by C.
Protein change: p.Glu2636Gln; replaces glutamic acid 2636 with glutamine.
Molecular consequence: missense variant. On other transcripts: intron variant (5).
Genome position (GRCh38, 1-based): chr5:119,206,876, G>C. VCF-style: chr5-119206876-G-C. GRCh37 (hg19) VCF-style: chr5-118542571-G-C.
Other names: c.7906G>C, p.Glu2636Gln (NM_001349239.2); c.6919G>C, p.Glu2307Gln (NM_001387938.1); c.7863+3440G>C (NM_001349240.2, NM_005509.6, NM_001387933.1); c.7158+3440G>C (NM_001387937.1); c.7671+3440G>C (NM_001387934.1); short protein forms E2307Q, E2636Q.
Identifiers: ClinVar variation 3054271 (VCV003054271.2), dbSNP rs776318996, ClinGen allele CA3381024.

ClinVar aggregate classification (germline): Likely benign (0 of 4 stars; one submission).

Conditions:
DMXL1-related disorder. Also called: DMXL1-related condition.

Allele frequency attached by ClinVar (database versions not stated): ExAC 0.00016.
gnomAD v4.1: 127 of 1,527,656 alleles (0.0083%); highest among the groups gnomAD compares: African/African-American, 0.15%; no homozygotes.

Submission:

PreventionGenetics, part of Exact Sciences
Classification: Likely benign for DMXL1-related condition. Last evaluated: 2023-04-28. Review status: no assertion criteria provided. Collection method: clinical testing. Allele origin: germline.
Comment: This variant is classified as likely benign based on ACMG/AMP sequence variant interpretation guidelines (Richards et al. 2015 PMID: 25741868, with internal and published modifications).